The following is an entry in ClinVar:

ClinVar aggregate classification (germline): Uncertain significance (1 of 4 stars; one submission).

Conditions:
Acrocallosal syndrome (ACLS). Also called: HALLUX DUPLICATION, POSTAXIAL POLYDACTYLY, AND ABSENCE OF CORPUS CALLOSUM; Schinzel syndrome 1; Absence of corpus callosum with unusual facial appearance, mental deficiency, duplication of the halluces and polydactyly. Identifiers: Orphanet 36, MedGen C0796147, MONDO:0008708, OMIM 200990.

Submission:

Labcorp Genetics (formerly Invitae), Labcorp
Classification: Uncertain significance for Acrocallosal syndrome. Last evaluated: 2022-11-10. Review status: criteria provided, single submitter. Criteria: Invitae Variant Classification Sherloc (09022015). Collection method: clinical testing. Allele origin: germline.
Comment: This sequence change replaces lysine, which is basic and polar, with asparagine, which is neutral and polar, at codon 988 of the KIF7 protein (p.Lys988Asn). This variant is not present in population databases (gnomAD no frequency). This variant has not been reported in the literature in individuals affected with KIF7-related conditions. Advanced modeling of protein sequence and biophysical properties (such as structural, functional, and spatial information, amino acid conservation, physicochemical variation, residue mobility, and thermodynamic stability) performed at Invitae indicates that this missense variant is not expected to disrupt KIF7 protein function. In summary, the available evidence is currently insufficient to determine the role of this variant in disease. Therefore, it has been classified as a Variant of Uncertain Significance.

NM_198525.3(KIF7):c.2964G>C (p.Lys988Asn)

Gene: KIF7 (kinesin family member 7; minus strand). Cytogenetic location: 15q26.1.
Variant type: single nucleotide variant.
Coding change: c.2964G>C on transcript NM_198525.3 (MANE Select); coding-DNA position 2964, G replaced by C.
Protein change: p.Lys988Asn; replaces lysine 988 with asparagine.
Molecular consequence: missense variant.
Genome position (GRCh38, 1-based): chr15:89,631,642, C>G on the plus strand (G>C on the coding strand, the complement: KIF7 is on the minus strand). VCF-style: chr15-89631642-C-G. GRCh37 (hg19) VCF-style: chr15-90174873-C-G.
Other names: short protein forms K988N.
Identifiers: ClinVar variation 2960841 (VCV002960841.3), dbSNP rs2505427079, ClinGen allele CA393757327.